The following is an entry in ClinVar:

ClinVar aggregate classification (germline): Uncertain significance (1 of 4 stars; one submission).

Conditions:
Usher syndrome. Also called: Usher Syndromes; Usher's syndrome. Identifiers: Orphanet 886, MedGen CN469326, MeSH D052245, MONDO:0019501. Disease mechanism: loss of function.

Submission:

Department of Otolaryngology – Head & Neck Surgery, Cochlear Implant Center
Classification: Uncertain significance for Usher syndrome. Last evaluated: 2021-04-12. Review status: criteria provided, single submitter. Criteria: ClinGen HL ACMG Specifications v1. Collection method: clinical testing. Allele origin: germline. Affected: yes.
Comment: PM2_Moderate, PP3_Supporting

NM_001692.4(ATP6V1B1):c.1025T>G (p.Ile342Ser)

Gene: ATP6V1B1 (ATPase H+ transporting V1 subunit B1; plus strand). Cytogenetic location: 2p13.3.
Variant type: single nucleotide variant.
Coding change: c.1025T>G on transcript NM_001692.4 (MANE Select); coding-DNA position 1025, T replaced by G.
Protein change: p.Ile342Ser; replaces isoleucine 342 with serine.
Molecular consequence: missense variant.
Genome position (GRCh38, 1-based): chr2:70,963,277, T>G. VCF-style: chr2-70963277-T-G. GRCh37 (hg19) VCF-style: chr2-71190407-T-G.
Other names: short protein forms I342S.
Identifiers: ClinVar variation 1064900 (VCV001064900.3), dbSNP rs2104831947, ClinGen allele CA347186355.